The following is an entry in ClinVar:

ClinVar aggregate classification (germline): Uncertain significance (1 of 4 stars; one submission).

Conditions:
Hereditary cancer-predisposing syndrome. Also called: Hereditary Cancer Syndrome; Tumor predisposition; Hereditary neoplastic syndrome; Neoplastic Syndromes, Hereditary. Identifiers: Orphanet 140162, MedGen C0027672, MeSH D009386, MONDO:0015356.

Submission:

Ambry Genetics
Classification: Uncertain significance for Hereditary cancer-predisposing syndrome. Last evaluated: 2024-08-15. Review status: criteria provided, single submitter. Criteria: Ambry Variant Classification Scheme 2023. Collection method: clinical testing. Allele origin: germline.
Comment: The c.1568+5G>C intronic variant results from a G to C substitution 5 nucleotides after coding exon 10 in the MSH3 gene. This nucleotide position is well conserved in available vertebrate species. In silico splice site analysis for this alteration is inconclusive. Based on the available evidence, the clinical significance of this variant remains unclear.

NM_002439.5(MSH3):c.1568+5G>C

Gene: MSH3 (mutS homolog 3; plus strand). Cytogenetic location: 5q14.1.
Variant type: single nucleotide variant.
Coding change: c.1568+5G>C on transcript NM_002439.5 (MANE Select); 5 bases into the intron after coding-DNA position 1568, G replaced by C.
Molecular consequence: intron variant.
Genome position (GRCh38, 1-based): chr5:80,728,970, G>C. VCF-style: chr5-80728970-G-C. GRCh37 (hg19) VCF-style: chr5-80024789-G-C.
Identifiers: ClinVar variation 3398703 (VCV003398703.1).